The following is an entry in ClinVar:

ClinVar aggregate classification (germline): Pathogenic (1 of 4 stars; one submission).

Conditions:
Wilson disease (WND). Also called: Wilson's disease. Identifiers: Orphanet 905, MedGen C0019202, MONDO:0010200, OMIM 277900. Disease mechanism: loss of function.

Submission:

Myriad Genetics, Inc.
Classification: Pathogenic for Wilson disease. Last evaluated: 2023-09-27. Review status: criteria provided, single submitter. Criteria: Myriad Autosomal Dominant, Autosomal Recessive and X-Linked Classification Criteria (2023). Collection method: clinical testing. Allele origin: unknown.
Comment: NM_000053.3(ATP7B):c.429dupT(V144Cfs*19) is expected to be pathogenic in the context of Wilson disease. This variant is predicted to lead to an abnormal or absent protein product due to the creation of a premature termination codon in ATP7B, a gene where loss-of-function variants are known to be pathogenic. Please note: this variant was assessed in the context of healthy population screening.

NM_000053.4(ATP7B):c.429dup (p.Val144fs)

Gene: ATP7B (ATPase copper transporting beta; minus strand). Cytogenetic location: 13q14.3.
Variant type: Duplication.
Coding change: c.429dup on transcript NM_000053.4 (MANE Select); coding-DNA position 429, one base duplicated (T; older notation c.429dupT).
Protein change: p.Val144fs; shifts the reading frame from valine 144.
Molecular consequence: frameshift variant.
Genome position (GRCh38, 1-based): chr13:51,974,791, A duplicated on the plus strand (T on the coding strand, the reverse complement: ATP7B is on the minus strand). VCF-style (leftmost placement, unchanged base first): chr13-51974790-C-CA. GRCh37 (hg19) VCF-style: chr13-52548926-C-CA.
Other names: c.429dup, p.Val144fs (NM_001005918.3, NM_001243182.2, NM_001330578.2 and 30 more transcripts); c.333dup, p.Val112fs (NM_001406517.1, NM_001406518.1, NM_001406530.1 and 4 more transcripts); short protein forms V112fs, V144fs.
Identifiers: ClinVar variation 5011956 (VCV005011956.1).